The following is an entry in ClinVar:

NM_004309.6(ARHGDIA):c.*35C>T

Gene: ARHGDIA (Rho GDP dissociation inhibitor alpha; minus strand). Cytogenetic location: 17q25.3.
Variant type: single nucleotide variant.
Coding change: c.*35C>T on transcript NM_004309.6 (MANE Select); 35 bases downstream of the stop codon, C replaced by T.
Molecular consequence: 3 prime UTR variant. On other transcripts: missense variant (1), non-coding transcript variant (1), intron variant (2).
Genome position (GRCh38, 1-based): chr17:81,868,841, G>A on the plus strand (C>T on the coding strand, the complement: ARHGDIA is on the minus strand). VCF-style: chr17-81868841-G-A. GRCh37 (hg19) VCF-style: chr17-79826717-G-A.
Other names: c.*35C>T (NM_001185077.3, NM_001185078.3, NM_001301243.2); c.538C>T, p.Arg180Trp (NM_001301242.2); c.502+148C>T (NM_001301240.2, NM_001301241.2); short protein forms R180W.
Identifiers: ClinVar variation 3045251 (VCV003045251.2), dbSNP rs369699594, ClinGen allele CA8843179.

ClinVar aggregate classification (germline): Uncertain significance (0 of 4 stars; one submission).

Conditions:
ARHGDIA-related disorder. Also called: ARHGDIA-related condition.

Allele frequency attached by ClinVar (database versions not stated): ESP Exome Variant Server 0.00008; TOPMed 0.00011; ExAC 0.00012; gnomAD 0.00012.
gnomAD v4.1: 571 of 1,612,778 alleles (0.035%); highest among the groups gnomAD compares: Non-Finnish European, 0.047%; 1 homozygote.

Submission:

PreventionGenetics, part of Exact Sciences
Classification: Uncertain significance for ARHGDIA-related condition. Last evaluated: 2023-11-29. Review status: no assertion criteria provided. Collection method: clinical testing. Allele origin: germline.
Comment: The ARHGDIA c.538C>T variant is predicted to result in the amino acid substitution p.Arg180Trp. To our knowledge, this variant has not been reported in the literature. This variant is reported in 0.023% of alleles in individuals of European (Non-Finnish) descent in gnomAD. At this time, the clinical significance of this variant is uncertain due to the absence of conclusive functional and genetic evidence.